The following is an entry in ClinVar:

NM_001162501.2(TNRC6B):c.4910C>T (p.Thr1637Ile)

Gene: TNRC6B (trinucleotide repeat containing adaptor 6B; plus strand). Cytogenetic location: 22q13.1.
Variant type: single nucleotide variant.
Coding change: c.4910C>T on transcript NM_001162501.2 (MANE Select); coding-DNA position 4910, C replaced by T.
Protein change: p.Thr1637Ile; replaces threonine 1637 with isoleucine.
Molecular consequence: missense variant.
Genome position (GRCh38, 1-based): chr22:40,315,948, C>T. VCF-style: chr22-40315948-C-T. GRCh37 (hg19) VCF-style: chr22-40711952-C-T.
Other names: c.2498C>T, p.Thr833Ile (NM_001024843.2); c.4580C>T, p.Thr1527Ile (NM_015088.3); short protein forms T1527I, T1637I, T833I.
Identifiers: ClinVar variation 3377541 (VCV003377541.1).

ClinVar aggregate classification (germline): Uncertain significance (1 of 4 stars; one submission).

Conditions:
Global developmental delay with speech and behavioral abnormalities. Identifiers: MedGen C5543226, MONDO:0030995, OMIM 619243.

Submission:

Neuberg Centre For Genomic Medicine, NCGM
Classification: Uncertain significance for Global developmental delay with speech and behavioral abnormalities. Last evaluated: 2023-06-22. Review status: criteria provided, single submitter. Criteria: ACMG Guidelines, 2015. Collection method: clinical testing. Allele origin: germline. Inheritance: Autosomal dominant inheritance. Affected: yes.
Comment: The missense c.4910C>T (p.Thr1637Ile) variant in the TNRC6B gene has not been reported previously as a pathogenic variant nor as a benign variant, to our knowledge. This variant is absent in the gnomAD Exomes. The amino acid Threonine at position 1637 is changed to a Isoleucine changing protein sequence and it might alter its composition and physico-chemical properties. Computational evidence (Polyphen-Benign, SIFT - Damaging and MutationTaster - Disease causing) predicts conflicting evidence on protein structure and function for this variant. The amino acid Threonine in TNRC6B is predicted as conserved by GERP++ and PhyloP across 100 vertebrates. For these reasons, this variant has been classified as Uncertain Significance.